The following is an entry in ClinVar:

NM_021005.4(NR2F2):c.247G>T (p.Gly83Ter)

Gene: NR2F2 (nuclear receptor subfamily 2 group F member 2; plus strand). Cytogenetic location: 15q26.2.
Variant type: single nucleotide variant.
Coding change: c.247G>T on transcript NM_021005.4 (MANE Select); coding-DNA position 247, G replaced by T.
Protein change: p.Gly83Ter; replaces glycine 83 with a stop codon.
Molecular consequence: nonsense. On other transcripts: intron variant (1).
Genome position (GRCh38, 1-based): chr15:96,332,352, G>T. VCF-style: chr15-96332352-G-T. GRCh37 (hg19) VCF-style: chr15-96875581-G-T.
Other names: c.44-1724G>T (NM_001145155.2); short protein forms G83*.
Identifiers: ClinVar variation 446122 (VCV000446122.4), dbSNP rs1555447012, ClinGen allele CA393929923.

ClinVar aggregate classification (germline): Pathogenic. Review status: no assertion criteria provided (0 of 4 stars). 2 submissions from 2 submitters: Pathogenic (2). Last evaluated 2020-06-02.

Conditions:
Congenital heart defects, multiple types, 4 (CHTD4). Identifiers: MedGen C4014310, MONDO:0014344, OMIM 615779.

Submissions (2):

OMIM
Classification: Pathogenic for CONGENITAL HEART DEFECTS, MULTIPLE TYPES, 4. Last evaluated: 2020-06-02. Review status: no assertion criteria provided. Collection method: literature only. Allele origin: germline.

Cardiovascular Research Laboratory, Shanghai Chest Hospital, Shanghai Jiao Tong University
Classification: Pathogenic for Congenital heart defects, multiple types, 4. Last evaluated: 2017-11-02. Review status: no assertion criteria provided. Collection method: case-control. Allele origin: germline. Inheritance: Autosomal dominant inheritance. Affected: yes. Observed: 4 variant alleles, 4 heterozygotes. Clinical features observed: Heart, malformation of.
Comment: A novel NR2F2 loss-of-function mutation associated with congenital heart defects.

Literature cited by the submitters: PubMed 29222010 (cited by OMIM).